The following is an entry in ClinVar:

NM_015346.4(ZFYVE26):c.7056C>T (p.Thr2352=)

Gene: ZFYVE26 (zinc finger FYVE-type containing 26; minus strand). Cytogenetic location: 14q24.1.
Variant type: single nucleotide variant.
Coding change: c.7056C>T on transcript NM_015346.4 (MANE Select); coding-DNA position 7056, C replaced by T.
Protein change: p.Thr2352=; no amino-acid change (threonine 2352 retained).
Molecular consequence: synonymous variant.
Genome position (GRCh38, 1-based): chr14:67,754,143, G>A on the plus strand (C>T on the coding strand, the complement: ZFYVE26 is on the minus strand). VCF-style: chr14-67754143-G-A. GRCh37 (hg19) VCF-style: chr14-68220860-G-A.
Other names: p.Thr2352=.
Identifiers: ClinVar variation 458294 (VCV000458294.17), dbSNP rs141586165, ClinGen allele CA7239074.

ClinVar aggregate classification (germline): Likely benign. Review status: criteria provided, multiple submitters, no conflicts (2 of 4 stars). 5 submissions from 5 submitters: Likely benign (5). Last evaluated 2026-03-23.

Conditions:
Spastic paraplegia. Identifiers: MedGen C0037772, HP:0001258.

Allele frequency attached by ClinVar (database versions not stated): gnomAD exomes 0.00005 and 0.00014; ExAC 0.00007; 1000 Genomes Project 30x 0.00016; gnomAD 0.00041 and 0.00042; TOPMed 0.00048; ESP Exome Variant Server 0.00054.
gnomAD v4.1: 132 of 1,614,276 alleles (0.0082%); highest among the groups gnomAD compares: African/African-American, 0.16%; no homozygotes.

Submissions (5):

Women's Health and Genetics/Laboratory Corporation of America, LabCorp
Classification: Likely benign. Last evaluated: 2026-03-23. Review status: criteria provided, single submitter. Criteria: LabCorp Variant Classification Summary - May 2015. Collection method: clinical testing. Allele origin: germline.

Mayo Clinic Laboratories, Mayo Clinic
Classification: Likely benign. Last evaluated: 2025-11-01. Review status: criteria provided, single submitter. Criteria: ACMG Guidelines, 2015. Collection method: clinical testing. Allele origin: germline. Observed: 1 variant allele.
Comment: BS1, BP4, BP7

Labcorp Genetics (formerly Invitae), Labcorp
Classification: Likely benign for Spastic paraplegia. Last evaluated: 2025-10-06. Review status: criteria provided, single submitter. Criteria: Invitae Variant Classification Sherloc (09022015). Collection method: clinical testing. Allele origin: germline.

Athena Diagnostics
Classification: Likely benign. Last evaluated: 2020-08-20. Review status: criteria provided, single submitter. Criteria: Athena Diagnostics Criteria. Collection method: clinical testing. Allele origin: unknown.

Blueprint Genetics
Classification: Likely benign. Last evaluated: 2019-10-24. Review status: criteria provided, single submitter. Criteria: ACMG Guidelines, 2015. Collection method: clinical testing. Allele origin: germline.